The following is an entry in ClinVar:

ClinVar aggregate classification (germline): Likely pathogenic (1 of 4 stars; one submission).

Conditions:
CHARGE syndrome (CHARGE). Also called: Hittner Hirsch Kreh syndrome; CHARGE ASSOCIATION--COLOBOMA, HEART ANOMALY, CHOANAL ATRESIA, RETARDATION, GENITAL AND EAR ANOMALIES; Coloboma, heart anomaly, choanal atresia, retardation, genital and ear anomalies; CHARGE association; Hall-Hittner syndrome. Identifiers: Orphanet 138, MedGen C0265354, MONDO:0008965.

Submission:

Labcorp Genetics (formerly Invitae), Labcorp
Classification: Likely pathogenic for CHARGE syndrome. Last evaluated: 2024-10-23. Review status: criteria provided, single submitter. Criteria: Invitae Variant Classification Sherloc (09022015). Collection method: clinical testing. Allele origin: germline.
Comment: This sequence change affects a donor splice site in intron 16 of the CHD7 gene. It is expected to disrupt RNA splicing. Variants that disrupt the donor or acceptor splice site typically lead to a loss of protein function (PMID: 16199547), and loss-of-function variants in CHD7 are known to be pathogenic (PMID: 22461308, 25077900). This variant is not present in population databases (gnomAD no frequency). This variant has not been reported in the literature in individuals affected with CHD7-related conditions. Algorithms developed to predict the effect of sequence changes on RNA splicing suggest that this variant may disrupt the consensus splice site. In summary, the currently available evidence indicates that the variant is pathogenic, but additional data are needed to prove that conclusively. Therefore, this variant has been classified as Likely Pathogenic.

Literature cited by the submitters: PubMed 16199547; PubMed 22461308; PubMed 25077900.

NM_017780.4(CHD7):c.3989+2T>G

Gene: CHD7 (chromodomain helicase DNA binding protein 7; plus strand). Cytogenetic location: 8q12.2.
Variant type: single nucleotide variant.
Coding change: c.3989+2T>G on transcript NM_017780.4 (MANE Select); the canonical splice donor site of the intron after coding-DNA position 3989, T replaced by G.
Molecular consequence: splice donor variant. On other transcripts: intron variant (1).
Genome position (GRCh38, 1-based): chr8:60,836,285, T>G. VCF-style: chr8-60836285-T-G. GRCh37 (hg19) VCF-style: chr8-61748844-T-G.
Other names: c.1717-25944T>G (NM_001316690.1).
Identifiers: ClinVar variation 2809681 (VCV002809681.3), dbSNP rs2487897230, ClinGen allele CA371316553.